The following is an entry in ClinVar:

NM_001127222.2(CACNA1A):c.1781A>C (p.Lys594Thr)

Gene: CACNA1A (calcium voltage-gated channel subunit alpha1 A; minus strand). Cytogenetic location: 19p13.13.
Variant type: single nucleotide variant.
Coding change: c.1781A>C on transcript NM_001127222.2 (MANE Select); coding-DNA position 1781, A replaced by C.
Protein change: p.Lys594Thr; replaces lysine 594 with threonine.
Molecular consequence: missense variant.
Genome position (GRCh38, 1-based): chr19:13,308,416, T>G on the plus strand (A>C on the coding strand, the complement: CACNA1A is on the minus strand). VCF-style: chr19-13308416-T-G. GRCh37 (hg19) VCF-style: chr19-13419230-T-G.
Other names: c.1784A>C, p.Lys595Thr (NM_000068.4, NM_001127221.2, NM_001174080.2 and 1 more transcripts); c.1784A>C (NM_001127221.1); short protein forms K594T, K595T.
Identifiers: ClinVar variation 1339113 (VCV001339113.8), dbSNP rs2145005448, ClinGen allele CA404345013.

ClinVar aggregate classification (germline): Uncertain significance. Review status: criteria provided, multiple submitters, no conflicts (2 of 4 stars). 3 submissions from 3 submitters: Uncertain significance (3). Last evaluated 2024-04-15.

Conditions:
Developmental and epileptic encephalopathy, 42 (DEE42A). Also called: Epileptic encephalopathy, early infantile, 42; DEVELOPMENTAL AND EPILEPTIC ENCEPHALOPATHY 42A; EPILEPTIC ENCEPHALOPATHY, EARLY INFANTILE, 42A. Identifiers: MedGen C4310716, MONDO:0014917, OMIM 617106.
Episodic ataxia type 2 (EA2). Also called: ATAXIA, EPISODIC, WITH NYSTAGMUS; ATAXIA, FAMILIAL PAROXYSMAL; CEREBELLAR ATAXIA, PAROXYSMAL, ACETAZOLAMIDE-RESPONSIVE; CEREBELLOPATHY, HEREDITARY PAROXYSMAL; EPISODIC ATAXIA, NYSTAGMUS-ASSOCIATED; ACETAZOLAMIDE-RESPONSIVE HEREDITARY PAROXYSMAL CEREBELLAR ATAXIA. Identifiers: Orphanet 97, MedGen C1720416, MONDO:0007163, OMIM 108500.

Allele frequency attached by ClinVar (database versions not stated): gnomAD exomes below 0.00001.

Submissions (3):

Labcorp Genetics (formerly Invitae), Labcorp
Classification: Uncertain significance for Developmental and epileptic encephalopathy, 42; Episodic ataxia type 2. Last evaluated: 2024-04-15. Review status: criteria provided, single submitter. Criteria: Invitae Variant Classification Sherloc (09022015). Collection method: clinical testing. Allele origin: germline.
Comment: This sequence change replaces lysine, which is basic and polar, with threonine, which is neutral and polar, at codon 595 of the CACNA1A protein (p.Lys595Thr). This variant is not present in population databases (gnomAD no frequency). This variant has not been reported in the literature in individuals affected with CACNA1A-related conditions. ClinVar contains an entry for this variant (Variation ID: 1339113). An algorithm developed to predict the effect of missense changes on protein structure and function (PolyPhen-2) suggests that this variant is likely to be disruptive. In summary, the available evidence is currently insufficient to determine the role of this variant in disease. Therefore, it has been classified as a Variant of Uncertain Significance.

GeneDx
Classification: Uncertain significance. Last evaluated: 2023-11-03. Review status: criteria provided, single submitter. Criteria: GeneDx Variant Classification Process June 2021. Collection method: clinical testing. Allele origin: germline. Affected: yes.
Comment: Not observed at significant frequency in large population cohorts (gnomAD); In silico analysis supports that this missense variant has a deleterious effect on protein structure/function; Has not been previously published as pathogenic or benign to our knowledge

Neuberg Centre For Genomic Medicine, NCGM
Classification: Uncertain significance for Developmental and epileptic encephalopathy, 42. Review status: criteria provided, single submitter. Criteria: ACMG Guidelines, 2015. Collection method: clinical testing. Allele origin: germline. Affected: yes.
Comment: The missense variant p.K595T in CACNA1A (NM_001127221.2) has not been reported previously as a pathogenic variant nor as a benign variant, to our knowledge. The p.K595T variant is novel (not in any individuals) in gnomAD Exomes and is novel (not in any individuals) in 1000 Genomes. The p.K595T missense variant is predicted to be damaging by both SIFT and PolyPhen2. The nucleotide c.1784 in CACNA1A is predicted conserved by GERP++ and PhyloP across 100 vertebrates. For these reasons, this variant has been classified as Uncertain Significance.